The following is an entry in ClinVar:

NM_000702.4(ATP1A2):c.581G>A (p.Gly194Glu)

Genes: ATP1A2 (ATPase Na+/K+ transporting subunit alpha 2; plus strand), LOC126805890 (CDK7 strongly-dependent group 2 enhancer GRCh37_chr1:160093987-160095186; plus strand). Cytogenetic location: 1q23.2.
Variant type: single nucleotide variant.
Coding change: c.581G>A on transcript NM_000702.4 (MANE Select); coding-DNA position 581, G replaced by A.
Protein change: p.Gly194Glu; replaces glycine 194 with glutamic acid.
Molecular consequence: missense variant.
Genome position (GRCh38, 1-based): chr1:160,124,381, G>A. VCF-style: chr1-160124381-G-A. GRCh37 (hg19) VCF-style: chr1-160094171-G-A.
Other names: short protein forms G194E.
Identifiers: ClinVar variation 4976420 (VCV004976420.1).
Genomic context (GRCh38, chr1:160,124,381, plus strand): 5'-AGAAGATGCAGATCAACGCAGAGGAAGTGGTGGTGGGAGACCTGGTGGAGGTGAAGGGTG[G>A]AGACCGCGTCCCTGCTGACCTCCGGATCATCTCTTCTCATGGCTGTAAGGTGAGGAGGTC-3'
Protein context (NP_000693.1, residues 184-204): VVGDLVEVKG[Gly194Glu]DRVPADLRII

ClinVar aggregate classification (germline): Uncertain significance (1 of 4 stars; one submission).

Submission:

GeneDx
Classification: Uncertain significance. Last evaluated: 2026-02-10. Review status: criteria provided, single submitter. Criteria: GeneDx Variant Classification Process June 2021. Collection method: clinical testing. Allele origin: germline.
Comment: Not observed at significant frequency in large population cohorts (gnomAD); In silico analysis supports that this missense variant has a deleterious effect on protein structure/function; Has not been previously published as pathogenic or benign to our knowledge